The following is an entry in ClinVar:

ClinVar aggregate classification (germline): Uncertain significance. Review status: criteria provided, multiple submitters, no conflicts (2 of 4 stars). 2 submissions from 2 submitters: Uncertain significance (2). Last evaluated 2024-02-26.

Conditions:
Inborn genetic diseases. Identifiers: MedGen C0950123, MeSH D030342.

Allele frequency attached by ClinVar (database versions not stated): gnomAD 0.00003; ExAC 0.00005; TOPMed 0.00005; gnomAD exomes 0.00011.
gnomAD v4.1: 158 of 1,541,046 alleles (0.01%); highest among the groups gnomAD compares: Non-Finnish European, 0.013%; no homozygotes.

Submissions (2):

Labcorp Genetics (formerly Invitae), Labcorp
Classification: Uncertain significance. Last evaluated: 2024-02-26. Review status: criteria provided, single submitter. Criteria: Invitae Variant Classification Sherloc (09022015). Collection method: clinical testing. Allele origin: germline.
Comment: This sequence change replaces glycine, which is neutral and non-polar, with serine, which is neutral and polar, at codon 277 of the PTH1R protein (p.Gly277Ser). This variant is present in population databases (rs746279438, gnomAD 0.01%). This variant has not been reported in the literature in individuals affected with PTH1R-related conditions. ClinVar contains an entry for this variant (Variation ID: 2166128). Advanced modeling of protein sequence and biophysical properties (such as structural, functional, and spatial information, amino acid conservation, physicochemical variation, residue mobility, and thermodynamic stability) performed at Invitae indicates that this missense variant is not expected to disrupt PTH1R protein function with a negative predictive value of 80%. In summary, the available evidence is currently insufficient to determine the role of this variant in disease. Therefore, it has been classified as a Variant of Uncertain Significance.

Ambry Genetics
Classification: Uncertain significance for Inborn genetic diseases. Last evaluated: 2022-10-26. Review status: criteria provided, single submitter. Criteria: Ambry Variant Classification Scheme 2023. Collection method: clinical testing. Allele origin: germline.

NM_000316.3(PTH1R):c.829G>A (p.Gly277Ser)

Gene: PTH1R (parathyroid hormone 1 receptor; plus strand). Cytogenetic location: 3p21.31.
Variant type: single nucleotide variant.
Coding change: c.829G>A on transcript NM_000316.3 (MANE Select); coding-DNA position 829, G replaced by A.
Protein change: p.Gly277Ser; replaces glycine 277 with serine.
Molecular consequence: missense variant.
Genome position (GRCh38, 1-based): chr3:46,898,852, G>A. VCF-style: chr3-46898852-G-A. GRCh37 (hg19) VCF-style: chr3-46940342-G-A.
Other names: c.829G>A, p.Gly277Ser (NM_001184744.1); c.829G>A (NM_000316.2); short protein forms G277S.
Identifiers: ClinVar variation 2166128 (VCV002166128.5), dbSNP rs746279438, ClinGen allele CA2359322.